The following is an entry in ClinVar:

ClinVar aggregate classification (germline): Conflicting classifications of pathogenicity. Review status: criteria provided, conflicting classifications (1 of 4 stars). 3 submissions from 3 submitters: Uncertain significance (1); Likely benign (1). 1 of the submissions does not count toward it. Last evaluated 2026-01-24.

Conditions:
ABCA12-related disorder. Also called: ABCA12-related condition.
Congenital ichthyosis of skin. Identifiers: MedGen C0020758.

Allele frequency attached by ClinVar (database versions not stated): ESP Exome Variant Server 0.00038; ExAC 0.00048; gnomAD 0.00062 and 0.00063; gnomAD exomes 0.00115.
gnomAD v4.1: 1,622 of 1,491,890 alleles (0.11%); highest among the groups gnomAD compares: Non-Finnish European, 0.14%; 1 homozygote.

Submissions (3):

Labcorp Genetics (formerly Invitae), Labcorp
Classification: Likely benign. Last evaluated: 2026-01-24. Review status: criteria provided, single submitter. Criteria: Invitae Variant Classification Sherloc (09022015). Collection method: clinical testing. Allele origin: germline.

Illumina Laboratory Services, Illumina
Classification: Uncertain significance for Congenital ichthyosis of skin. Last evaluated: 2018-01-13. Review status: criteria provided, single submitter. Criteria: ICSL Variant Classification Criteria 13 December 2019. Collection method: clinical testing. Allele origin: germline.

PreventionGenetics, part of Exact Sciences
Classification: Likely benign for ABCA12-related condition. Last evaluated: 2020-03-02. Review status: no assertion criteria provided. Collection method: clinical testing. Allele origin: germline. Not counted in ClinVar's aggregate classification.
Comment: This variant is classified as likely benign based on ACMG/AMP sequence variant interpretation guidelines (Richards et al. 2015 PMID: 25741868, with internal and published modifications).

NM_173076.3(ABCA12):c.1287+9T>C

Gene: ABCA12 (ATP binding cassette subfamily A member 12; minus strand). Cytogenetic location: 2q35.
Variant type: single nucleotide variant.
Coding change: c.1287+9T>C on transcript NM_173076.3 (MANE Select); 9 bases into the intron after coding-DNA position 1287, T replaced by C.
Molecular consequence: intron variant.
Genome position (GRCh38, 1-based): chr2:215,025,664, A>G on the plus strand (T>C on the coding strand, the complement: ABCA12 is on the minus strand). VCF-style: chr2-215025664-A-G. GRCh37 (hg19) VCF-style: chr2-215890388-A-G.
Other names: c.333+9T>C (NM_015657.4).
Identifiers: ClinVar variation 334269 (VCV000334269.15), dbSNP rs372326315, ClinGen allele CA2092295.